The following is an entry in ClinVar:

ClinVar aggregate classification (germline): Uncertain significance. Review status: criteria provided, multiple submitters, no conflicts (2 of 4 stars). 3 submissions from 3 submitters: Uncertain significance (3). Last evaluated 2024-09-22.

Conditions:
Developmental and epileptic encephalopathy, 23 (DEE23). Also called: Epileptic encephalopathy, early infantile, 23. Identifiers: Orphanet 411986, MedGen C4014492, MONDO:0014371, OMIM 615859.
Inborn genetic diseases. Identifiers: MedGen C0950123, MeSH D030342.

Allele frequency attached by ClinVar (database versions not stated): gnomAD 0.00001; gnomAD exomes 0.00001 and 0.00002; TOPMed 0.00001; ExAC 0.00002.
gnomAD v4.1: 27 of 1,612,968 alleles (0.0017%); highest among the groups gnomAD compares: Non-Finnish European, 0.0017%; no homozygotes.

Submissions (3):

Blueprint Genetics
Classification: Uncertain significance. Last evaluated: 2024-09-22. Review status: criteria provided, single submitter. Criteria: ACMG Guidelines, 2015. Collection method: clinical testing. Allele origin: germline.

Ambry Genetics
Classification: Uncertain significance for Inborn genetic diseases. Last evaluated: 2024-03-28. Review status: criteria provided, single submitter. Criteria: Ambry Variant Classification Scheme 2023. Collection method: clinical testing. Allele origin: germline.

Labcorp Genetics (formerly Invitae), Labcorp
Classification: Uncertain significance for Developmental and epileptic encephalopathy, 23. Last evaluated: 2023-08-04. Review status: criteria provided, single submitter. Criteria: Invitae Variant Classification Sherloc (09022015). Collection method: clinical testing. Allele origin: germline.
Comment: The frequency data for this variant in the population databases is considered unreliable, as metrics indicate poor data quality at this position in the gnomAD database. This sequence change replaces serine, which is neutral and polar, with cysteine, which is neutral and slightly polar, at codon 1159 of the DOCK7 protein (p.Ser1159Cys). This variant has not been reported in the literature in individuals affected with DOCK7-related conditions. In summary, the available evidence is currently insufficient to determine the role of this variant in disease. Therefore, it has been classified as a Variant of Uncertain Significance. Advanced modeling of protein sequence and biophysical properties (such as structural, functional, and spatial information, amino acid conservation, physicochemical variation, residue mobility, and thermodynamic stability) performed at Invitae indicates that this missense variant is expected to disrupt DOCK7 protein function. ClinVar contains an entry for this variant (Variation ID: 541919).

NM_001367561.1(DOCK7):c.3476C>G (p.Ser1159Cys)

Gene: DOCK7 (dedicator of cytokinesis 7; minus strand). Cytogenetic location: 1p31.3.
Variant type: single nucleotide variant.
Coding change: c.3476C>G on transcript NM_001367561.1 (MANE Select); coding-DNA position 3476, C replaced by G.
Protein change: p.Ser1159Cys; replaces serine 1159 with cysteine.
Molecular consequence: missense variant.
Genome position (GRCh38, 1-based): chr1:62,535,628, G>C on the plus strand (C>G on the coding strand, the complement: DOCK7 is on the minus strand). VCF-style: chr1-62535628-G-C. GRCh37 (hg19) VCF-style: chr1-63001299-G-C.
Other names: c.3476C>G, p.Ser1159Cys (NM_001271999.2, NM_001330614.2); c.3383C>G, p.Ser1128Cys (NM_001272000.2, NM_001272001.2, NM_033407.4); c.3383C>G (NM_033407.2); short protein forms S1128C, S1159C.
Identifiers: ClinVar variation 541919 (VCV000541919.8), dbSNP rs765929258, ClinGen allele CA885977.